The following is an entry in ClinVar:

ClinVar aggregate classification (germline): Uncertain significance (1 of 4 stars; one submission).

Conditions:
Bethlem myopathy 1A. Also called: Bethlem Muscular Dystrophy; Bethlem myopathy 1; MYOPATHY, BENIGN CONGENITAL, WITH CONTRACTURES. Identifiers: Orphanet 610, MedGen CN029274, MONDO:0024530, OMIM 158810.

Allele frequency attached by ClinVar (database versions not stated): TOPMed 0.00028; 1000 Genomes Project 30x 0.00031; 1000 Genomes Project 0.00040; gnomAD exomes 0.00004; ExAC 0.00008; ESP Exome Variant Server 0.00023.
gnomAD v4.1: 37 of 1,611,610 alleles (0.0023%); highest among the groups gnomAD compares: African/African-American, 0.044%; no homozygotes.

Submission:

Labcorp Genetics (formerly Invitae), Labcorp
Classification: Uncertain significance for Bethlem myopathy 1A. Last evaluated: 2026-01-27. Review status: criteria provided, single submitter. Criteria: Invitae Variant Classification Sherloc (09022015). Collection method: clinical testing. Allele origin: germline.
Comment: This sequence change falls in intron 8 of the COL6A3 gene. It does not directly change the encoded amino acid sequence of the COL6A3 protein. It affects a nucleotide within the consensus splice site. This variant is present in population databases (rs138878144, gnomAD 0.05%). This variant has not been reported in the literature in individuals affected with COL6A3-related conditions. ClinVar contains an entry for this variant (Variation ID: 655923). Variants that disrupt the consensus splice site are a relatively common cause of aberrant splicing (PMID: 17576681, 9536098). Algorithms developed to predict the effect of sequence changes on RNA splicing suggest that this variant is not likely to affect RNA splicing. In summary, the available evidence is currently insufficient to determine the role of this variant in disease. Therefore, it has been classified as a Variant of Uncertain Significance.

Literature cited by the submitters: PubMed 17576681; PubMed 9536098.

NM_004369.4(COL6A3):c.3679+5G>T

Gene: COL6A3 (collagen type VI alpha 3 chain; minus strand). Cytogenetic location: 2q37.3.
Variant type: single nucleotide variant.
Coding change: c.3679+5G>T on transcript NM_004369.4 (MANE Select); 5 bases into the intron after coding-DNA position 3679, G replaced by T.
Molecular consequence: intron variant.
Genome position (GRCh38, 1-based): chr2:237,374,407, C>A on the plus strand (G>T on the coding strand, the complement: COL6A3 is on the minus strand). VCF-style: chr2-237374407-C-A. GRCh37 (hg19) VCF-style: chr2-238283050-C-A.
Other names: c.1858+5G>T (NM_057166.5); c.3061+5G>T (NM_057167.4, NM_057165.5); c.2458+5G>T (NM_057164.5).
Identifiers: ClinVar variation 655923 (VCV000655923.9), dbSNP rs138878144, ClinGen allele CA2189117.
Genomic context (GRCh38, chr2:237,374,407, plus strand): 5'-CACAGTCCAGACAAGTAGCCCCAGACAATGACACTGAGTGAGGATGCAAAGAGTTCCCTG[C>A]GTACCTGGGCTCGGTAGAGGCTGCAACACCGGCTGCAGCCTGCTCAGCTCCTCGCGGGTG-3'